The following is an entry in ClinVar:

NM_006618.5(KDM5B):c.488C>T (p.Pro163Leu)

Gene: KDM5B (lysine demethylase 5B; minus strand). Cytogenetic location: 1q32.1.
Variant type: single nucleotide variant.
Coding change: c.488C>T on transcript NM_006618.5 (MANE Select); coding-DNA position 488, C replaced by T.
Protein change: p.Pro163Leu; replaces proline 163 with leucine.
Molecular consequence: missense variant.
Genome position (GRCh38, 1-based): chr1:202,773,206, G>A on the plus strand (C>T on the coding strand, the complement: KDM5B is on the minus strand). VCF-style: chr1-202773206-G-A. GRCh37 (hg19) VCF-style: chr1-202742334-G-A.
Other names: c.488C>T, p.Pro163Leu (NM_001314042.2, NM_001347591.2); c.473C>T, p.Pro158Leu (NM_001399817.1); short protein forms P158L, P163L.
Identifiers: ClinVar variation 2635104 (VCV002635104.1), dbSNP rs1656794368, ClinGen allele CA344263230.

ClinVar aggregate classification (germline): Uncertain significance (1 of 4 stars; one submission).

Conditions:
KDM5B-related disorder. Also called: KDM5B-related condition.

Allele frequency attached by ClinVar (database versions not stated): gnomAD exomes 0.00001; TOPMed 0.00001.
gnomAD v4.1: 9 of 1,613,904 alleles (0.00056%); highest among the groups gnomAD compares: Non-Finnish European, 0.00059%; no homozygotes.

Submission:

PreventionGenetics, part of Exact Sciences
Classification: Uncertain significance for KDM5B-related condition. Last evaluated: 2022-11-01. Review status: criteria provided, single submitter. Criteria: ACMG Guidelines, 2015. Collection method: clinical testing. Allele origin: germline.
Comment: The KDM5B c.488C>T variant is predicted to result in the amino acid substitution p.Pro163Leu. To our knowledge, this variant has not been reported in the literature or in a large population database, indicating this variant is rare. At this time, the clinical significance of this variant is uncertain due to the absence of conclusive functional and genetic evidence.